The following is an entry in ClinVar:

NM_003709.4(KLF7):c.146G>A (p.Arg49Lys)

Gene: KLF7 (KLF transcription factor 7; minus strand). Cytogenetic location: 2q33.3.
Variant type: single nucleotide variant.
Coding change: c.146G>A on transcript NM_003709.4 (MANE Select); coding-DNA position 146, G replaced by A.
Protein change: p.Arg49Lys; replaces arginine 49 with lysine.
Molecular consequence: missense variant. On other transcripts: non-coding transcript variant (1).
Genome position (GRCh38, 1-based): chr2:207,124,361, C>T on the plus strand (G>A on the coding strand, the complement: KLF7 is on the minus strand). VCF-style: chr2-207124361-C-T. GRCh37 (hg19) VCF-style: chr2-207989085-C-T.
Other names: c.146G>A, p.Arg49Lys (NM_001270942.1); c.47G>A, p.Arg16Lys (NM_001270943.2); c.62G>A, p.Arg21Lys (NM_001270944.2); short protein forms R16K, R21K, R49K.
Identifiers: ClinVar variation 3360487 (VCV003360487.1).

ClinVar aggregate classification (germline): Uncertain significance (1 of 4 stars; one submission).

gnomAD v4.1: 1 of 1,588,102 alleles (0.000063%); highest among the groups gnomAD compares: Admixed American, 0.0017%; no homozygotes.

Submission:

GeneDx
Classification: Uncertain significance. Last evaluated: 2023-06-26. Review status: criteria provided, single submitter. Criteria: GeneDx Variant Classification Process June 2021. Collection method: clinical testing. Allele origin: germline. Affected: yes.
Comment: Not observed at significant frequency in large population cohorts (gnomAD); In silico analysis supports that this missense variant does not alter protein structure/function; Has not been previously published as pathogenic or benign to our knowledge